The following is an entry in ClinVar:

ClinVar aggregate classification (germline): Uncertain significance (1 of 4 stars; one submission).

Conditions:
Hereditary breast ovarian cancer syndrome. Also called: Hereditary breast and ovarian cancer syndrome; Hereditary breast and ovarian cancer; Hereditary breast and ovarian cancer syndrome (HBOC); Hereditary breast and/or ovarian cancer syndrome; Breast and ovarian cancer; BRCA1- and BRCA2-Associated Hereditary Breast and Ovarian Cancer. Identifiers: Orphanet 145, MedGen C0677776, MeSH D061325, MONDO:0003582. Disease mechanism: loss of function.

Submission:

Labcorp Genetics (formerly Invitae), Labcorp
Classification: Uncertain significance for Hereditary breast ovarian cancer syndrome. Last evaluated: 2023-06-01. Review status: criteria provided, single submitter. Criteria: Invitae Variant Classification Sherloc (09022015). Collection method: clinical testing. Allele origin: germline.
Comment: In summary, the available evidence is currently insufficient to determine the role of this variant in disease. Therefore, it has been classified as a Variant of Uncertain Significance. Advanced modeling of protein sequence and biophysical properties (such as structural, functional, and spatial information, amino acid conservation, physicochemical variation, residue mobility, and thermodynamic stability) performed at Invitae indicates that this missense variant is expected to disrupt BRCA1 protein function. This variant has not been reported in the literature in individuals affected with BRCA1-related conditions. This variant is not present in population databases (gnomAD no frequency). This sequence change replaces phenylalanine, which is neutral and non-polar, with isoleucine, which is neutral and non-polar, at codon 517 of the BRCA1 protein (p.Phe517Ile).

NM_007294.4(BRCA1):c.1549T>A (p.Phe517Ile)

Gene: BRCA1 (BRCA1 DNA repair associated; minus strand). Cytogenetic location: 17q21.31.
Variant type: single nucleotide variant.
Coding change: c.1549T>A on transcript NM_007294.4 (MANE Select); coding-DNA position 1549, T replaced by A.
Protein change: p.Phe517Ile; replaces phenylalanine 517 with isoleucine.
Molecular consequence: missense variant. On other transcripts: intron variant (137).
Genome position (GRCh38, 1-based): chr17:43,093,982, A>T on the plus strand (T>A on the coding strand, the complement: BRCA1 is on the minus strand). VCF-style: chr17-43093982-A-T. GRCh37 (hg19) VCF-style: chr17-41245999-A-T.
Other names: c.1336T>A, p.Phe446Ile (NM_001407571.1, NM_001407853.1, NM_001407894.1 and 9 more transcripts); c.1549T>A, p.Phe517Ile (NM_001407581.1, NM_001407582.1, NM_001407583.1 and 30 more transcripts); c.1546T>A, p.Phe516Ile (NM_001407587.1, NM_001407590.1, NM_001407591.1 and 22 more transcripts); c.1540T>A, p.Phe514Ile (NM_001407646.1, NM_001407647.1); c.1426T>A, p.Phe476Ile (NM_001407648.1, NM_001407664.1, NM_001407665.1 and 19 more transcripts); c.1423T>A, p.Phe475Ile (NM_001407649.1, NM_001407670.1, NM_001407671.1 and 11 more transcripts); c.1471T>A, p.Phe491Ile (NM_001407653.1, NM_001407654.1, NM_001407655.1 and 4 more transcripts); c.1468T>A, p.Phe490Ile (NM_001407659.1, NM_001407660.1, NM_001407661.1 and 1 more transcripts); and 40 more; short protein forms F429I, F450I, F516I, F390I, F405I, F428I, F447I, F449I.
Identifiers: ClinVar variation 2716815 (VCV002716815.3), dbSNP rs2154438040, ClinGen allele CA10598952.